The following is an entry in ClinVar:

ClinVar aggregate classification (germline): Uncertain significance. Review status: criteria provided, multiple submitters, no conflicts (2 of 4 stars). 2 submissions from 2 submitters: Uncertain significance (2). Last evaluated 2025-05-27.

Conditions:
Polycystic kidney disease 4 (PKD4). Also called: POLYCYSTIC KIDNEY DISEASE 4 WITH OR WITHOUT POLYCYSTIC LIVER DISEASE; PKD3; POLYCYSTIC KIDNEY AND HEPATIC DISEASE 1; POLYCYSTIC KIDNEY DISEASE, INFANTILE, TYPE I; Autosomal Recessive Polycystic Kidney Disease – PKHD1. Identifiers: MedGen C4540575, MONDO:0033004, OMIM 263200.
Autosomal recessive polycystic kidney disease (ARPKD). Also called: AR polycystic kidney disease. Identifiers: Orphanet 731, Orphanet 8378, MedGen C0085548, MeSH D017044, MONDO:0009889.

Allele frequency attached by ClinVar (database versions not stated): TOPMed below 0.00001.
gnomAD v4.1: 7 of 1,614,210 alleles (0.00043%); highest among the groups gnomAD compares: East Asian, 0.0022%; no homozygotes.

Submissions (2):

Labcorp Genetics (formerly Invitae), Labcorp
Classification: Uncertain significance for Autosomal recessive polycystic kidney disease. Last evaluated: 2025-05-27. Review status: criteria provided, single submitter. Criteria: Invitae Variant Classification Sherloc (09022015). Collection method: clinical testing. Allele origin: germline.
Comment: This sequence change replaces aspartic acid, which is acidic and polar, with asparagine, which is neutral and polar, at codon 1667 of the PKHD1 protein (p.Asp1667Asn). This variant is present in population databases (no rsID available, gnomAD 0.006%). This variant has not been reported in the literature in individuals affected with PKHD1-related conditions. ClinVar contains an entry for this variant (Variation ID: 3019553). Invitae Evidence Modeling of protein sequence and biophysical properties (such as structural, functional, and spatial information, amino acid conservation, physicochemical variation, residue mobility, and thermodynamic stability) indicates that this missense variant is not expected to disrupt PKHD1 protein function with a negative predictive value of 95%. In summary, the available evidence is currently insufficient to determine the role of this variant in disease. Therefore, it has been classified as a Variant of Uncertain Significance.

Fulgent Genetics
Classification: Uncertain significance for Polycystic kidney disease 4. Last evaluated: 2024-04-08. Review status: criteria provided, single submitter. Criteria: ACMG Guidelines, 2015. Collection method: clinical testing. Allele origin: germline.

NM_138694.4(PKHD1):c.4999G>A (p.Asp1667Asn)

Genes: PKHD1 (PKHD1 ciliary IPT domain containing fibrocystin/polyductin; minus strand), LOC126859690 (MED14-independent group 3 enhancer GRCh37_chr6:51888848-51890047; plus strand). Cytogenetic location: 6p12.2.
Variant type: single nucleotide variant.
Coding change: c.4999G>A on transcript NM_138694.4 (MANE Select); coding-DNA position 4999, G replaced by A.
Protein change: p.Asp1667Asn; replaces aspartic acid 1667 with asparagine.
Molecular consequence: missense variant.
Genome position (GRCh38, 1-based): chr6:52,024,811, C>T on the plus strand (G>A on the coding strand, the complement: PKHD1 is on the minus strand). VCF-style: chr6-52024811-C-T. GRCh37 (hg19) VCF-style: chr6-51889609-C-T.
Other names: c.4999G>A, p.Asp1667Asn (NM_170724.3); short protein forms D1667N.
Identifiers: ClinVar variation 3019553 (VCV003019553.4), dbSNP rs1464948680, ClinGen allele CA364430187.